The following is an entry in ClinVar:

NM_173076.3(ABCA12):c.2394G>A (p.Trp798Ter)

Gene: ABCA12 (ATP binding cassette subfamily A member 12; minus strand). Cytogenetic location: 2q35.
Variant type: single nucleotide variant.
Coding change: c.2394G>A on transcript NM_173076.3 (MANE Select); coding-DNA position 2394, G replaced by A.
Protein change: p.Trp798Ter; replaces tryptophan 798 with a stop codon.
Molecular consequence: nonsense. On other transcripts: non-coding transcript variant (1).
Genome position (GRCh38, 1-based): chr2:215,010,409, C>T on the plus strand (G>A on the coding strand, the complement: ABCA12 is on the minus strand). VCF-style: chr2-215010409-C-T. GRCh37 (hg19) VCF-style: chr2-215875133-C-T.
Other names: c.1440G>A, p.Trp480Ter (NM_015657.4); short protein forms W480*, W798*.
Identifiers: ClinVar variation 2718324 (VCV002718324.3), dbSNP rs2469312913, ClinGen allele CA350483103.
Genomic context (GRCh38, chr2:215,010,409, plus strand): 5'-TGTGACTGGGTTATATGGTGCATACAAAATTCTTCCCAACAACATAGGTTTCAAGAAAGC[C>T]CAAATCACAGGTCCAGCGGGCATGTTAATGATGTCTTTATAAAGGGAGAAGCAAAATGGT-3'

ClinVar aggregate classification (germline): Pathogenic (1 of 4 stars; one submission).

Submission:

Labcorp Genetics (formerly Invitae), Labcorp
Classification: Pathogenic. Last evaluated: 2023-06-24. Review status: criteria provided, single submitter. Criteria: Invitae Variant Classification Sherloc (09022015). Collection method: clinical testing. Allele origin: germline.
Comment: For these reasons, this variant has been classified as Pathogenic. This variant has not been reported in the literature in individuals affected with ABCA12-related conditions. This variant is not present in population databases (gnomAD no frequency). This sequence change creates a premature translational stop signal (p.Trp798*) in the ABCA12 gene. It is expected to result in an absent or disrupted protein product. Loss-of-function variants in ABCA12 are known to be pathogenic (PMID: 20672373).

Literature cited by the submitters: PubMed 20672373.